The following is an entry in ClinVar:

NM_001005242.3(PKP2):c.811G>A (p.Val271Ile)

Gene: PKP2 (plakophilin 2; minus strand). Cytogenetic location: 12p11.21.
Variant type: single nucleotide variant.
Coding change: c.811G>A on transcript NM_001005242.3 (MANE Select); coding-DNA position 811, G replaced by A.
Protein change: p.Val271Ile; replaces valine 271 with isoleucine.
Molecular consequence: missense variant.
Genome position (GRCh38, 1-based): chr12:32,878,069, C>T on the plus strand (G>A on the coding strand, the complement: PKP2 is on the minus strand). VCF-style: chr12-32878069-C-T. GRCh37 (hg19) VCF-style: chr12-33031003-C-T.
Other names: c.811G>A, p.Val271Ile (NM_004572.4); short protein forms V271I.
Identifiers: ClinVar variation 229148 (VCV000229148.9), dbSNP rs876657953, ClinGen allele CA10576924.

ClinVar aggregate classification (germline): Uncertain significance. Review status: criteria provided, multiple submitters, no conflicts (2 of 4 stars). 2 submissions from 2 submitters: Uncertain significance (2). Last evaluated 2024-05-21.

Conditions:
Arrhythmogenic right ventricular dysplasia 9 (ARVD9). Also called: Arrhythmogenic Right Ventricular Dysplasia/Cardiomyopathy 9; ARRHYTHMOGENIC RIGHT VENTRICULAR DYSPLASIA, FAMILIAL, 9. Identifiers: MedGen C1836906, MONDO:0012180, OMIM 609040.

Allele frequency attached by ClinVar (database versions not stated): gnomAD exomes below 0.00001.
gnomAD v4.1: 8 of 1,614,072 alleles (0.0005%); highest among the groups gnomAD compares: South Asian, 0.0011%; no homozygotes.

Submissions (2):

Labcorp Genetics (formerly Invitae), Labcorp
Classification: Uncertain significance for Arrhythmogenic right ventricular dysplasia 9. Last evaluated: 2024-05-21. Review status: criteria provided, single submitter. Criteria: Invitae Variant Classification Sherloc (09022015). Collection method: clinical testing. Allele origin: germline.
Comment: This sequence change replaces valine, which is neutral and non-polar, with isoleucine, which is neutral and non-polar, at codon 271 of the PKP2 protein (p.Val271Ile). This variant is present in population databases (no rsID available, gnomAD 0.0009%). This missense change has been observed in individual(s) with dilated cardiomyopathy (PMID: 31983221). ClinVar contains an entry for this variant (Variation ID: 229148). Algorithms developed to predict the effect of missense changes on protein structure and function output the following: SIFT: "Not Available"; PolyPhen-2: "Benign"; Align-GVGD: "Not Available". The isoleucine amino acid residue is found in multiple mammalian species, which suggests that this missense change does not adversely affect protein function. In summary, the available evidence is currently insufficient to determine the role of this variant in disease. Therefore, it has been classified as a Variant of Uncertain Significance.

Laboratory for Molecular Medicine, Mass General Brigham Personalized Medicine
Classification: Uncertain significance. Last evaluated: 2015-02-16. Review status: criteria provided, single submitter. Criteria: LMM Criteria. Collection method: clinical testing. Allele origin: germline. Observed: 1 variant allele.
Comment: The p.Val271Ile variant in PKP2 has not been previously reported in individuals with cardiomyopathy or in large population studies. Computational predictions ar e conflicting with lack of evolutionary conservation (2 mammals carry an isoleuc ine at this position) arguing against a role in disease but the predicted creati on of a novel splice site arguing for an impact. However, the accuracy of these predictions is unknown. In summary, the clinical significance of the p.Val271Il e variant is uncertain.

Literature cited by the submitters: PubMed 31983221 (cited by Labcorp Genetics (formerly Invitae), Labcorp).